The following is an entry in ClinVar:

NM_015726.4(DCAF8):c.370A>G (p.Asn124Asp)

Gene: DCAF8 (DDB1 and CUL4 associated factor 8; minus strand). Cytogenetic location: 1q23.2.
Variant type: single nucleotide variant.
Coding change: c.370A>G on transcript NM_015726.4 (MANE Select); coding-DNA position 370, A replaced by G.
Protein change: p.Asn124Asp; replaces asparagine 124 with aspartic acid.
Molecular consequence: missense variant. On other transcripts: non-coding transcript variant (4).
Genome position (GRCh38, 1-based): chr1:160,240,050, T>C on the plus strand (A>G on the coding strand, the complement: DCAF8 is on the minus strand). VCF-style: chr1-160240050-T-C. GRCh37 (hg19) VCF-style: chr1-160209840-T-C.
Other names: short protein forms N124D.
Identifiers: ClinVar variation 3768249 (VCV003768249.1).

ClinVar aggregate classification (germline): Uncertain significance (1 of 4 stars; one submission).

gnomAD v4.1: 2 of 1,614,050 alleles (0.00012%); highest among the groups gnomAD compares: Admixed American, 0.0033%; no homozygotes.

Submission:

Women's Health and Genetics/Laboratory Corporation of America, LabCorp
Classification: Uncertain significance. Last evaluated: 2024-12-05. Review status: criteria provided, single submitter. Criteria: LabCorp Variant Classification Summary - May 2015. Collection method: clinical testing. Allele origin: germline.
Comment: Variant summary: DCAF8 c.370A>G (p.Asn124Asp) results in a conservative amino acid change in the encoded protein sequence. Five of five in-silico tools predict a benign effect of the variant on protein function. The variant allele was found at a frequency of 8e-06 in 251398 control chromosomes. The available data on variant occurrences in the general population are insufficient to allow any conclusion about variant significance. To our knowledge, no occurrence of c.370A>G in individuals affected with Giant axonal neuropathy 2 and no experimental evidence demonstrating its impact on protein function have been reported. No submitters have cited clinical-significance assessments for this variant to ClinVar. Based on the evidence outlined above, the variant was classified as uncertain significance.